The following is an entry in ClinVar:

ClinVar aggregate classification (germline): Pathogenic/Likely pathogenic. Review status: criteria provided, multiple submitters, no conflicts (2 of 4 stars). 6 submissions from 6 submitters: Pathogenic (1); Likely pathogenic (4). 1 of the submissions does not count toward it. Last evaluated 2024-11-04.

Conditions:
Primary ciliary dyskinesia 3. Identifiers: Orphanet 244, MedGen C1837618, MONDO:0012085, OMIM 608644.
DNAH5-related disorders.
DNAH5-related disorder. Also called: DNAH5-related condition.
Primary ciliary dyskinesia. Also called: Ciliary dyskinesia. Identifiers: Orphanet 244, MedGen C0008780, MONDO:0016575, HP:0012265.

Allele frequency attached by ClinVar (database versions not stated): gnomAD exomes below 0.00001; TOPMed below 0.00001; ExAC 0.00001.

Submissions (6):

ARUP Laboratories, Molecular Genetics and Genomics, ARUP Laboratories
Classification: Likely pathogenic for Primary ciliary dyskinesia 3. Last evaluated: 2024-11-04. Review status: criteria provided, single submitter. Criteria: ARUP Molecular Germline Variant Investigation Process 2024. Collection method: clinical testing. Allele origin: germline.
Comment: The DNAH5 c.7407+1G>A variant (rs749711805), to our knowledge, is not reported in the medical literature but is reported in ClinVar (Variation ID: 1073312). This variant is only observed on one allele in the Genome Aggregation Database (v2.1.1), indicating it is not a common polymorphism. This variant disrupts the canonical splice donor site of intron 44, which is likely to negatively impact gene function. Based on available information, this variant is considered to be likely pathogenic. Gene Statement: Pathogenic variants in DNAH5 are associated with autosomal recessive primary ciliary dyskinesia 3, with or without situs inversus (MIM: 608644).

Labcorp Genetics (formerly Invitae), Labcorp
Classification: Pathogenic for Primary ciliary dyskinesia. Last evaluated: 2022-07-19. Review status: criteria provided, single submitter. Criteria: Invitae Variant Classification Sherloc (09022015). Collection method: clinical testing. Allele origin: germline.
Comment: This sequence change affects a donor splice site in intron 44 of the DNAH5 gene. It is expected to disrupt RNA splicing. Variants that disrupt the donor or acceptor splice site typically lead to a loss of protein function (PMID: 16199547), and loss-of-function variants in DNAH5 are known to be pathogenic (PMID: 11788826, 16627867). The frequency data for this variant in the population databases is considered unreliable, as metrics indicate poor data quality at this position in the gnomAD database. Disruption of this splice site has been observed in individual(s) with DNAH5-related conditions (Invitae). In at least one individual the data is consistent with being in trans (on the opposite chromosome) from a pathogenic variant. ClinVar contains an entry for this variant (Variation ID: 1073312). Algorithms developed to predict the effect of sequence changes on RNA splicing suggest that this variant may disrupt the consensus splice site. For these reasons, this variant has been classified as Pathogenic.

GeneDx
Classification: Likely pathogenic. Last evaluated: 2022-06-23. Review status: criteria provided, single submitter. Criteria: GeneDx Variant Classification Process June 2021. Collection method: clinical testing. Allele origin: germline. Affected: yes.
Comment: Canonical splice site variant expected to result in aberrant splicing, although in the absence of functional evidence the actual effect of this sequence change is unknown; Not observed at a significant frequency in large population cohorts (gnomAD); Has not been previously published as pathogenic or benign to our knowledge

Ambry Genetics
Classification: Likely pathogenic for Primary ciliary dyskinesia. Last evaluated: 2020-11-19. Review status: criteria provided, single submitter. Criteria: Ambry Variant Classification Scheme 2023. Collection method: clinical testing. Allele origin: germline.
Comment: The c.7407+1G>A intronic variant results from a G to A substitution one nucleotide after coding exon 44 of the DNAH5 gene. Alterations that disrupt the canonical splice site are expected to result in aberrant splicing. In silico splice site analysis predicts that this alteration will weaken the native splice donor site. The resulting transcript is predicted to be in-frame and is not expected to trigger nonsense-mediated mRNAdecay; however, direct evidence is unavailable. This variant has been detected in conjunction with a pathogenic mutation in DNAH5 in multiple affected individuals (Ambry internal data). Based on data from gnomAD, the A allele has an overall frequency of <0.01% (1/251366) total alleles studied. This nucleotide position is highly conserved in available vertebrate species. Based on the majority of available evidence to date, this variant is likely to be pathogenic.

Blueprint Genetics
Classification: Likely pathogenic for DNAH5-related disorders. Last evaluated: 2020-11-04. Review status: criteria provided, single submitter. Criteria: ACMG Guidelines, 2015. Collection method: clinical testing. Allele origin: germline. Affected: yes. Observed: 1 variant allele.

PreventionGenetics, part of Exact Sciences
Classification: Likely pathogenic for DNAH5-related condition. Last evaluated: 2023-11-03. Review status: no assertion criteria provided. Collection method: clinical testing. Allele origin: germline. Not counted in ClinVar's aggregate classification.
Comment: The DNAH5 c.7407+1G>A variant is predicted to disrupt the GT donor site and interfere with normal splicing. To our knowledge, this variant has not been reported in the literature. This variant is reported in 0.0029% of alleles in individuals of Latino descent in gnomAD. Variants that disrupt the consensus splice donor site in DNAH5 are expected to be pathogenic. This variant is interpreted as likely pathogenic.

Literature cited by the submitters: PubMed 16199547 (cited by Labcorp Genetics (formerly Invitae), Labcorp); PubMed 11788826 (cited by Labcorp Genetics (formerly Invitae), Labcorp); PubMed 16627867 (cited by Labcorp Genetics (formerly Invitae), Labcorp).

NM_001369.3(DNAH5):c.7407+1G>A

Gene: DNAH5 (dynein axonemal heavy chain 5; minus strand). Cytogenetic location: 5p15.2.
Variant type: single nucleotide variant.
Coding change: c.7407+1G>A on transcript NM_001369.3 (MANE Select); the canonical splice donor site of the intron after coding-DNA position 7407, G replaced by A.
Molecular consequence: splice donor variant.
Genome position (GRCh38, 1-based): chr5:13,811,646, C>T on the plus strand (G>A on the coding strand, the complement: DNAH5 is on the minus strand). VCF-style: chr5-13811646-C-T. GRCh37 (hg19) VCF-style: chr5-13811755-C-T.
Identifiers: ClinVar variation 1073312 (VCV001073312.18), dbSNP rs749711805, ClinGen allele CA3203105.